The following is an entry in ClinVar:

NM_000215.4(JAK3):c.1717G>C (p.Ala573Pro)

Gene: JAK3 (Janus kinase 3; minus strand). Cytogenetic location: 19p13.11.
Variant type: single nucleotide variant.
Coding change: c.1717G>C on transcript NM_000215.4 (MANE Select); coding-DNA position 1717, G replaced by C.
Protein change: p.Ala573Pro; replaces alanine 573 with proline.
Molecular consequence: missense variant.
Genome position (GRCh38, 1-based): chr19:17,837,198, C>G on the plus strand (G>C on the coding strand, the complement: JAK3 is on the minus strand). VCF-style: chr19-17837198-C-G. GRCh37 (hg19) VCF-style: chr19-17948007-C-G.
Other names: short protein forms A573P.
Identifiers: ClinVar variation 3907537 (VCV003907537.1).

ClinVar aggregate classification (germline): Uncertain significance (1 of 4 stars; one submission).

Submission:

Women's Health and Genetics/Laboratory Corporation of America, LabCorp
Classification: Uncertain significance. Last evaluated: 2025-06-25. Review status: criteria provided, single submitter. Criteria: LabCorp Variant Classification Summary - May 2015. Collection method: clinical testing. Allele origin: germline.
Comment: Variant summary: JAK3 c.1717G>C (p.Ala573Pro) results in a non-conservative amino acid change in the encoded protein sequence. Algorithms developed to predict the effect of missense changes on protein structure and function all suggest that this variant is likely to be disruptive. The frequency data for this variant in gnomAD is considered unreliable, as metrics indicate poor data quality at this position. c.1717G>C has been observed in individuals affected with Severe Combined Immunodeficiency including as a homozygous or unreported genotype (e.g. AlHerz_2019, Yadav_2020). These data indicate that the variant may be associated with disease. To our knowledge, no experimental evidence demonstrating an impact on protein function has been reported. The following publications have been ascertained in the context of this evaluation (PMID: 30697212, 33365035). No submitters have cited clinical-significance assessments for this variant to ClinVar. Based on the evidence outlined above, the variant was classified as VUS-possibly pathogenic.

Literature cited by the submitters: PubMed 33365035; PubMed 30697212.